The following is an entry in ClinVar:

ClinVar aggregate classification (germline): Conflicting classifications of pathogenicity. Review status: criteria provided, conflicting classifications (1 of 4 stars). 2 submissions from 2 submitters: Uncertain significance (1); Likely benign (1). Last evaluated 2026-01-19.

Conditions:
Cardiovascular phenotype. Identifiers: MedGen CN230736.

Allele frequency attached by ClinVar (database versions not stated): gnomAD 0.00001; gnomAD exomes 0.00001; TOPMed 0.00001; ExAC 0.00002.
gnomAD v4.1: 11 of 1,614,020 alleles (0.00068%); highest among the groups gnomAD compares: East Asian, 0.0067%; no homozygotes.

Submissions (2):

Labcorp Genetics (formerly Invitae), Labcorp
Classification: Uncertain significance. Last evaluated: 2026-01-19. Review status: criteria provided, single submitter. Criteria: Invitae Variant Classification Sherloc (09022015). Collection method: clinical testing. Allele origin: germline.
Comment: This sequence change replaces lysine, which is basic and polar, with glutamic acid, which is acidic and polar, at codon 969 of the ALPK3 protein (p.Lys969Glu). This variant is present in population databases (rs766147713, gnomAD 0.01%). This variant has not been reported in the literature in individuals affected with ALPK3-related conditions. ClinVar contains an entry for this variant (Variation ID: 1917171). Invitae Evidence Modeling of protein sequence and biophysical properties (such as structural, functional, and spatial information, amino acid conservation, physicochemical variation, residue mobility, and thermodynamic stability) indicates that this missense variant is not expected to disrupt ALPK3 protein function with a negative predictive value of 80%. In summary, the available evidence is currently insufficient to determine the role of this variant in disease. Therefore, it has been classified as a Variant of Uncertain Significance.

Ambry Genetics
Classification: Likely benign for Cardiovascular phenotype. Last evaluated: 2025-06-23. Review status: criteria provided, single submitter. Criteria: Ambry Variant Classification Scheme 2023. Collection method: clinical testing. Allele origin: germline.

NM_020778.5(ALPK3):c.2299A>G (p.Lys767Glu)

Gene: ALPK3 (alpha kinase 3; plus strand). Cytogenetic location: 15q25.3.
Variant type: single nucleotide variant.
Coding change: c.2299A>G on transcript NM_020778.5 (MANE Select); coding-DNA position 2299, A replaced by G.
Protein change: p.Lys767Glu; replaces lysine 767 with glutamic acid.
Molecular consequence: missense variant.
Genome position (GRCh38, 1-based): chr15:84,857,037, A>G. VCF-style: chr15-84857037-A-G. GRCh37 (hg19) VCF-style: chr15-85400268-A-G.
Other names: short protein forms K767E.
Identifiers: ClinVar variation 1917171 (VCV001917171.7), dbSNP rs766147713, ClinGen allele CA7709382.